The following is an entry in ClinVar:

ClinVar aggregate classification (germline): Uncertain significance. Review status: criteria provided, multiple submitters, no conflicts (2 of 4 stars). 2 submissions from 2 submitters: Uncertain significance (2). Last evaluated 2024-08-22.

Conditions:
Hereditary sensory and autonomic neuropathy type 6. Also called: HSAN VI; Neuropathy, hereditary sensory and autonomic, type VI. Identifiers: Orphanet 314381, MedGen C3539003, MONDO:0013839, OMIM 614653.
Epidermolysis bullosa simplex 3, localized or generalized intermediate, with BP230 deficiency (EBS3). Also called: Epidermolysis bullosa simplex, autosomal recessive 2; Epidermolysis bullosa simplex due to BP230 deficiency. Identifiers: Orphanet 412181, MedGen C3809470, MONDO:0014180, OMIM 615425.

Allele frequency attached by ClinVar (database versions not stated): gnomAD exomes 0.00001; TOPMed 0.00001.
gnomAD v4.1: 14 of 1,613,954 alleles (0.00087%); highest among the groups gnomAD compares: Non-Finnish European, 0.0011%; no homozygotes.

Submissions (2):

Blueprint Genetics
Classification: Uncertain significance. Last evaluated: 2024-08-22. Review status: criteria provided, single submitter. Criteria: ACMG Guidelines, 2015. Collection method: clinical testing. Allele origin: germline.

Labcorp Genetics (formerly Invitae), Labcorp
Classification: Uncertain significance for Epidermolysis bullosa simplex 3, localized or generalized intermediate, with BP230 deficiency; Hereditary sensory and autonomic neuropathy type 6. Last evaluated: 2021-09-04. Review status: criteria provided, single submitter. Criteria: Invitae Variant Classification Sherloc (09022015). Collection method: clinical testing. Allele origin: germline.
Comment: This sequence change replaces glutamic acid with alanine at codon 5067 of the DST protein (p.Glu5067Ala). The DST gene has multiple clinically relevant transcripts. This variant occurs in alternate transcript NM_015548.4, and corresponds to NM_001723.5:c.*155333A>C in the primary transcript. This variant is not present in population databases (ExAC no frequency). This variant has not been reported in the literature in individuals affected with DST-related conditions. Experimental studies and prediction algorithms are not available or were not evaluated, and the functional significance of this variant is currently unknown. In summary, the available evidence is currently insufficient to determine the role of this variant in disease. Therefore, it has been classified as a Variant of Uncertain Significance.

NM_001374736.1(DST):c.23141A>C (p.Glu7714Ala)

Gene: DST (dystonin; minus strand). Cytogenetic location: 6p12.1.
Variant type: single nucleotide variant.
Coding change: c.23141A>C on transcript NM_001374736.1 (MANE Select); coding-DNA position 23141, A replaced by C.
Protein change: p.Glu7714Ala; replaces glutamic acid 7714 with alanine.
Molecular consequence: missense variant.
Genome position (GRCh38, 1-based): chr6:56,460,184, T>G on the plus strand (A>C on the coding strand, the complement: DST is on the minus strand). VCF-style: chr6-56460184-T-G. GRCh37 (hg19) VCF-style: chr6-56324982-T-G.
Other names: c.16712A>C, p.Glu5571Ala (NM_001144769.5); c.16298A>C, p.Glu5433Ala (NM_001144770.2); c.23069A>C, p.Glu7690Ala (NM_001374722.1); c.22070A>C, p.Glu7357Ala (NM_001374729.1); c.15812A>C, p.Glu5271Ala (NM_001374730.1); c.23096A>C, p.Glu7699Ala (NM_001374734.1); c.16160A>C, p.Glu5387Ala (NM_001386100.1); c.15200A>C, p.Glu5067Ala (NM_015548.5); and 1 more; short protein forms E7690A, E5271A, E5571A, E5067A, E5393A, E7699A, E5387A, E5433A.
Identifiers: ClinVar variation 1512748 (VCV001512748.7), dbSNP rs2094257033, ClinGen allele CA364503753.